The following is an entry in ClinVar:

ClinVar aggregate classification (germline): Uncertain significance. Review status: criteria provided, multiple submitters, no conflicts (2 of 4 stars). 2 submissions from 2 submitters: Uncertain significance (2). Last evaluated 2026-10-01.

Conditions:
Perlman syndrome (PRLMNS). Identifiers: Orphanet 2849, MedGen C0796113, MONDO:0009965, OMIM 267000.

Allele frequency attached by ClinVar (database versions not stated): gnomAD exomes below 0.00001; TOPMed below 0.00001.
gnomAD v4.1: 2 of 1,614,124 alleles (0.00012%); highest among the groups gnomAD compares: Non-Finnish European, 0.00017%; no homozygotes.

Submissions (2):

St. Jude Molecular Pathology, St. Jude Children's Research Hospital
Classification: Uncertain significance for Perlman syndrome. Last evaluated: 2026-10-01. Review status: criteria provided, single submitter. Criteria: St. Jude Assertion Criteria 2020. Collection method: clinical testing. Allele origin: germline.
Comment: The DIS3L2 c.1003G>A p.(Gly335Arg) mis sense change is absent in gnomAD v2.1.1. The in silico tool REVEL is inconclusive about a pathogenic or benign effect of this variant on protein function, and to our knowledge functional studies have not been performe d. To our knowledge, this variant has not been reported in individuals with DIS3L2-associated conditions. In summary, the evidence currently available is insufficient to determine the clinical significance of this variant. It has therefore been classified as of uncertain significance.

Labcorp Genetics (formerly Invitae), Labcorp
Classification: Uncertain significance for Perlman syndrome. Last evaluated: 2021-12-25. Review status: criteria provided, single submitter. Criteria: Invitae Variant Classification Sherloc (09022015). Collection method: clinical testing. Allele origin: germline.
Comment: This variant is not present in population databases (gnomAD no frequency). This sequence change replaces glycine, which is neutral and non-polar, with arginine, which is basic and polar, at codon 335 of the DIS3L2 protein (p.Gly335Arg). This variant has not been reported in the literature in individuals affected with DIS3L2-related conditions. Algorithms developed to predict the effect of missense changes on protein structure and function are either unavailable or do not agree on the potential impact of this missense change (SIFT: "Tolerated"; PolyPhen-2: "Possibly Damaging"; Align-GVGD: "Class C0"). In summary, the available evidence is currently insufficient to determine the role of this variant in disease. Therefore, it has been classified as a Variant of Uncertain Significance.

NM_152383.5(DIS3L2):c.1003G>A (p.Gly335Arg)

Gene: DIS3L2 (DIS3 like 3'-5' exoribonuclease 2; plus strand). Cytogenetic location: 2q37.1.
Variant type: single nucleotide variant.
Coding change: c.1003G>A on transcript NM_152383.5 (MANE Select); coding-DNA position 1003, G replaced by A.
Protein change: p.Gly335Arg; replaces glycine 335 with arginine.
Molecular consequence: missense variant. On other transcripts: non-coding transcript variant (2).
Genome position (GRCh38, 1-based): chr2:232,163,511, G>A. VCF-style: chr2-232163511-G-A. GRCh37 (hg19) VCF-style: chr2-233028221-G-A.
Other names: c.1003G>A, p.Gly335Arg (NM_001257281.2); c.1003G>A (NM_152383.4); short protein forms G335R.
Identifiers: ClinVar variation 1493692 (VCV001493692.7), dbSNP rs1690715577, ClinGen allele CA351154268.
Genomic context (GRCh38, chr2:232,163,511, plus strand): 5'-ATCCATAGGCAGCTGGCTAAGAGTCTTGGGCAGGCTGGTGAAATTGAGCCTGAAACAGAA[G>A]GAATACTAACAGAGTATGGCGTGGATTTCTCTGATTTCTCTTCAGAAGTTCTAGAATGTC-3'
Protein context (NP_689596.4, residues 325-345): QAGEIEPETE[Gly335Arg]ILTEYGVDFS